The following is an entry in ClinVar:

NM_021954.4(GJA3):c.176C>T (p.Pro59Leu)

Gene: GJA3 (gap junction protein alpha 3; minus strand). Cytogenetic location: 13q12.11.
Variant type: single nucleotide variant.
Coding change: c.176C>T on transcript NM_021954.4 (MANE Select); coding-DNA position 176, C replaced by T.
Protein change: p.Pro59Leu; replaces proline 59 with leucine.
Molecular consequence: missense variant.
Genome position (GRCh38, 1-based): chr13:20,143,113, G>A on the plus strand (C>T on the coding strand, the complement: GJA3 is on the minus strand). VCF-style: chr13-20143113-G-A. GRCh37 (hg19) VCF-style: chr13-20717252-G-A.
Other names: short protein forms P59L.
Identifiers: ClinVar variation 217339 (VCV000217339.15), dbSNP rs864309691, ClinGen allele CA278814.

ClinVar aggregate classification (germline): Pathogenic/Likely pathogenic. Review status: criteria provided, multiple submitters, no conflicts (2 of 4 stars). 7 submissions from 6 submitters: Pathogenic (4); Likely pathogenic (2). 1 of the submissions does not count toward it. Last evaluated 2025-01-01.

Conditions:
GJA3-related disorders.
Cataract 14 multiple types. Also called: CATARACT 14, ZONULAR PULVERULENT; CATARACT 14, NUCLEAR PULVERULENT; CATARACT 14, NUCLEAR PULVERULENT AND POSTERIOR POLAR; CATARACT 14, NUCLEAR CORALLIFORM; CATARACT 14, EMBRYONAL NUCLEAR; CATARACT 14, COPPOCK-LIKE. Identifiers: Orphanet 91492, MedGen C1866078, MONDO:0011162, OMIM 601885.
Developmental cataract. Also called: Congenital cataract; Bilateral cataracts; Congenital cataracts. Identifiers: MedGen C0009691, HP:0000519.

Submissions (7):

Labcorp Genetics (formerly Invitae), Labcorp
Classification: Pathogenic for Cataract 14 multiple types. Last evaluated: 2025-01-01. Review status: criteria provided, single submitter. Criteria: Invitae Variant Classification Sherloc (09022015). Collection method: clinical testing. Allele origin: germline.
Comment: This sequence change replaces proline, which is neutral and non-polar, with leucine, which is neutral and non-polar, at codon 59 of the GJA3 protein (p.Pro59Leu). This variant is not present in population databases (gnomAD no frequency). This missense change has been observed in individual(s) with autosomal dominant congenital cataracts (PMID: 15208569, 19182255, 26694549, 27609163). It has also been observed to segregate with disease in related individuals. ClinVar contains an entry for this variant (Variation ID: 217339). Invitae Evidence Modeling of protein sequence and biophysical properties (such as structural, functional, and spatial information, amino acid conservation, physicochemical variation, residue mobility, and thermodynamic stability) indicates that this missense variant is expected to disrupt GJA3 protein function with a positive predictive value of 95%. For these reasons, this variant has been classified as Pathogenic.

Miami Human Genetics, University Of Miami Miller School Of Medicine
Classification: Pathogenic for Cataract 14 multiple types. Last evaluated: 2024-05-09. Review status: criteria provided, single submitter. Criteria: ACMG Guidelines, 2015. Collection method: research. Allele origin: paternal. Inheritance: Autosomal dominant inheritance. Affected: yes. Observed: 1 heterozygote.

Dept. Genetics and Cancer, Menzies Institute for Medical Research, University of Tasmania
Classification: Pathogenic for Cataract 14 multiple types. Last evaluated: 2023-01-21. Review status: criteria provided, single submitter. Criteria: ACMG Guidelines, 2015. Collection method: curation. Allele origin: germline. Affected: yes.
Comment: Variant identified and curated during a GJA3 specific review of the literature in relation to pediatric or congenital cataract. ACMG-AMP criteria applied: PP1(Strong), PS4(Moderate), PM1, PM2(Supporting) PP3. The cataract phenotype/s reported for this variant are: Punctate nuclear, Pulverulent, Lamellar, and Central (Nuclear). Original variant report: PMID:15208569;19182255;21866213;25148791;27609163;26694549;34169787;36161833. Gene review and curation guidelines are outlined in: DOI 10.1080/17469899.2023.2160320

Dept. Genetics and Cancer, Menzies Institute for Medical Research, University of Tasmania
Classification: Likely pathogenic for Developmental cataract. Last evaluated: 2021-05-01. Review status: criteria provided, single submitter. Criteria: ACMG Guidelines, 2015. Collection method: research. Allele origin: germline. Affected: yes.
Comment: PM2, PP1_strong, PP3. Absent/near absent from population databases. Same variant previously established as pathogenic variant (report with cataract PMID: 15208569, 19182255, 21866213, 25148791, 26694549, 27609163), segregation (strong) with the disease in three families with 19 meioses (this study and PMID: 15208569, 27609163). Multiple predictive tools assessing variant as damaging/pathogenic.

Blueprint Genetics
Classification: Pathogenic for GJA3-related disorders. Last evaluated: 2020-01-21. Review status: criteria provided, single submitter. Criteria: ACMG Guidelines, 2015. Collection method: clinical testing. Allele origin: germline. Affected: yes. Observed: 1 variant allele.

Genomics England Pilot Project, Genomics England
Classification: Likely pathogenic for Cataract 14 multiple types. Review status: criteria provided, single submitter. Criteria: ACGS Guidelines, 2016. Collection method: clinical testing. Allele origin: germline. Affected: yes.

Eye Genetics Research Group, Children's Medical Research Institute
Classification: Pathogenic for Developmental cataract. Last evaluated: 2015-01-09. Review status: no assertion criteria provided. Collection method: research. Allele origin: unknown. Affected: yes. Not counted in ClinVar's aggregate classification.

Literature cited by the submitters: PubMed 15208569 (cited by 3 submitters); PubMed 19182255 (cited by Labcorp Genetics (formerly Invitae), Labcorp and Dept. Genetics and Cancer, Menzies Institute for Medical Research, University of Tasmania); PubMed 26694549 (cited by 3 submitters); PubMed 27609163 (cited by Labcorp Genetics (formerly Invitae), Labcorp and Dept. Genetics and Cancer, Menzies Institute for Medical Research, University of Tasmania); PubMed 21866213 (cited by Dept. Genetics and Cancer, Menzies Institute for Medical Research, University of Tasmania); PubMed 25148791 (cited by Dept. Genetics and Cancer, Menzies Institute for Medical Research, University of Tasmania); PubMed 34169787 (cited by Dept. Genetics and Cancer, Menzies Institute for Medical Research, University of Tasmania); PubMed 36161833 (cited by Dept. Genetics and Cancer, Menzies Institute for Medical Research, University of Tasmania).